The following is an entry in ClinVar:

ClinVar aggregate classification (germline): Uncertain significance (1 of 4 stars; one submission).

Conditions:
Primary dilated cardiomyopathy (DCM). Also called: Dilated Cardiomyopathy. Identifiers: Orphanet 217604, MedGen C0007193, MeSH D002311, MONDO:0005021, HP:0001644. Inheritance: Various modes of inheritance.

Allele frequency attached by ClinVar (database versions not stated): gnomAD exomes below 0.00001 and 0.00001; TOPMed below 0.00001.
gnomAD v4.1: 10 of 1,614,182 alleles (0.00062%); highest among the groups gnomAD compares: South Asian, 0.0022%; no homozygotes.

Submission:

Labcorp Genetics (formerly Invitae), Labcorp
Classification: Uncertain significance for Primary dilated cardiomyopathy. Last evaluated: 2018-02-17. Review status: criteria provided, single submitter. Criteria: Invitae Variant Classification Sherloc (09022015). Collection method: clinical testing. Allele origin: germline.
Comment: In summary, the available evidence is currently insufficient to determine the role of this variant in disease. Therefore, it has been classified as a Variant of Uncertain Significance. Algorithms developed to predict the effect of missense changes on protein structure and function do not agree on the potential impact of this missense change (SIFT: "Deleterious"; PolyPhen-2: "Benign"; Align-GVGD: "Class C0"). This variant has not been reported in the literature in individuals with FHL2-related disease. This variant is not present in population databases (ExAC no frequency). This sequence change replaces aspartic acid with asparagine at codon 204 of the FHL2 protein (p.Asp204Asn). The aspartic acid residue is moderately conserved and there is a small physicochemical difference between aspartic acid and asparagine.

NM_001318895.3(FHL2):c.610G>A (p.Asp204Asn)

Genes: C2orf49 (chromosome 2 open reading frame 49; plus strand), FHL2 (four and a half LIM domains 2; minus strand). Cytogenetic location: 2q12.2.
Variant type: single nucleotide variant.
Coding change: c.610G>A on transcript NM_001318895.3 (MANE Select); coding-DNA position 610, G replaced by A.
Protein change: p.Asp204Asn; replaces aspartic acid 204 with asparagine.
Molecular consequence: missense variant.
Genome position (GRCh38, 1-based): chr2:105,363,363, C>T on the plus strand (G>A on the coding strand, the complement: FHL2 is on the minus strand). VCF-style: chr2-105363363-C-T. GRCh37 (hg19) VCF-style: chr2-105979820-C-T.
Other names: c.610G>A, p.Asp204Asn (NM_001039492.3, NM_001318894.1, NM_001318896.2 and 4 more transcripts); c.268G>A, p.Asp90Asn (NM_001318897.2, NM_001318898.2); c.286G>A, p.Asp96Asn (NM_001318899.2); short protein forms D204N, D90N, D96N.
Identifiers: ClinVar variation 582730 (VCV000582730.6), dbSNP rs906250700, ClinGen allele CA53348902.